The following is an entry in ClinVar:

ClinVar aggregate classification (germline): Likely benign (0 of 4 stars; one submission).

Conditions:
alpha Thalassemia. Also called: Alpha thalassemia spectrum. Identifiers: Orphanet 846, MedGen C0002312, MONDO:0011399, OMIM 604131.

Submission:

Precision Medicine Lab Center, Yangjiang People's Hospital
Classification: Likely benign for alpha Thalassemia. Last evaluated: 2023-11-23. Review status: no assertion criteria provided. Collection method: clinical testing. Allele origin: germline. Affected: yes.
Comment: HBA2:c.207C>T is a synonymous variant in the α2-globin gene where a C to T substitution at nucleotide position 207 does not alter the encoded asparagine residue (p.Asn69=). This variant has not been reported in current databases.

NM_000517.6(HBA2):c.207C>T (p.Asn69=)

Genes: HBA2 (hemoglobin subunit alpha 2; plus strand), LOC106804612 (hemoglobin subunit alpha 2 recombination region; plus strand). Cytogenetic location: 16p13.3.
Variant type: single nucleotide variant.
Coding change: c.207C>T on transcript NM_000517.6 (MANE Select); coding-DNA position 207, C replaced by T.
Protein change: p.Asn69=; no amino-acid change (asparagine 69 retained).
Molecular consequence: synonymous variant.
Genome position (GRCh38, 1-based): chr16:173,236, C>T. VCF-style: chr16-173236-C-T. GRCh37 (hg19) VCF-style: chr16-223235-C-T.
Identifiers: ClinVar variation 4280314 (VCV004280314.1).
Genomic context (GRCh38, chr16:173,236, plus strand): 5'-GAGCCACGGCTCTGCCCAGGTTAAGGGCCACGGCAAGAAGGTGGCCGACGCGCTGACCAA[C>T]GCCGTGGCGCACGTGGACGACATGCCCAACGCGCTGTCCGCCCTGAGCGACCTGCACGCG-3'
Protein context (NP_000508.1, residues 59-79): HGKKVADALT[Asn69=]AVAHVDDMPN